The following is an entry in ClinVar:

ClinVar aggregate classification (germline): Pathogenic (1 of 4 stars; one submission).

Conditions:
Fanconi anemia (FA). Also called: Fanconi's anemia. Identifiers: Orphanet 84, MedGen C0015625, MeSH D005199, MONDO:0019391.

Submission:

Labcorp Genetics (formerly Invitae), Labcorp
Classification: Pathogenic for Fanconi anemia. Last evaluated: 2020-09-24. Review status: criteria provided, single submitter. Criteria: Invitae Variant Classification Sherloc (09022015). Collection method: clinical testing. Allele origin: germline.
Comment: A gross deletion of the genomic region encompassing the full coding sequence of the FANCA gene has been identified. The boundaries of this event are unknown as the deletion extends beyond the assayed region for this gene and therefore may encompass additional genes. Deletions of the entire sequence of FANCA have been observed in several individuals affected with Fanconi anemia (PMID: 16084127, 9721219, 29098742). In one or more of these individuals, these entire sequence deletions were reported in combination with another pathogenic FANCA variant. Loss-of-function variants in FANCA are known to be pathogenic (PMID: 19367192). For these reasons, this variant has been classified as Pathogenic.

Literature cited by the submitters: PubMed 16084127; PubMed 9721219; PubMed 29098742; PubMed 19367192.

NC_000016.9:g.(?_89805009)_(89883024_?)del

Genes: FANCA (FA complementation group A; minus strand), ZNF276 (zinc finger protein 276; plus strand). Cytogenetic location: 16q24.3.
Variant type: Deletion.
Identifiers: ClinVar variation 1071158 (VCV001071158.1).